The following is an entry in ClinVar:

NM_001378454.1(ALMS1):c.5401_5413del (p.Val1801fs)

Gene: ALMS1 (ALMS1 centrosome and basal body associated protein; plus strand). Cytogenetic location: 2p13.1.
Variant type: Deletion.
Coding change: c.5401_5413del on transcript NM_001378454.1 (MANE Select); coding-DNA positions 5401 to 5413, 13 bases deleted (GTAACCTCTACTT).
Protein change: p.Val1801fs; shifts the reading frame from valine 1801.
Molecular consequence: frameshift variant.
Genome position (GRCh38, 1-based): chr2:73,451,928-73,451,940, GTAACCTCTACTT deleted. VCF-style (leftmost placement, unchanged base first): chr2-73451927-AGTAACCTCTACTT-A. GRCh37 (hg19) VCF-style: chr2-73679054-AGTAACCTCTACTT-A.
Other names: c.5404_5416del, p.Val1802fs (NM_015120.4); short protein forms V1801fs, V1802fs.
Identifiers: ClinVar variation 3905714 (VCV003905714.10).

ClinVar aggregate classification (germline): Pathogenic (1 of 4 stars; one submission).

Submission:

CeGaT Center for Human Genetics Tuebingen
Classification: Pathogenic. Last evaluated: 2025-05-01. Review status: criteria provided, single submitter. Criteria: CeGaT Center For Human Genetics Tuebingen Variant Classification Criteria Version 2. Collection method: clinical testing. Allele origin: germline. Affected: yes. Observed: 1 variant allele.
Comment: ALMS1: PVS1, PM2